The following is an entry in ClinVar:

ClinVar aggregate classification (germline): Uncertain significance (1 of 4 stars; one submission).

Conditions:
Microcephaly, normal intelligence and immunodeficiency (NBS). Also called: Nijmegen breakage syndrome; Microcephaly with normal intelligence immunodeficiency and lymphoreticular malignancies; Nonsyndromal microcephaly autosomal recessive with normal intelligence; Seemanova syndrome 2; IMMUNODEFICIENCY, MICROCEPHALY, AND CHROMOSOMAL INSTABILITY; SEEMANOVA SYNDROME II. Identifiers: Orphanet 647, MedGen C0398791, MONDO:0009623, OMIM 251260.

Allele frequency attached by ClinVar (database versions not stated): gnomAD exomes below 0.00001.
gnomAD v4.1: 1 of 1,585,538 alleles (0.000063%); highest among the groups gnomAD compares: Non-Finnish European, 0.000087%; no homozygotes.

Submission:

Labcorp Genetics (formerly Invitae), Labcorp
Classification: Uncertain significance for Microcephaly, normal intelligence and immunodeficiency. Last evaluated: 2020-11-25. Review status: criteria provided, single submitter. Criteria: Invitae Variant Classification Sherloc (09022015). Collection method: clinical testing. Allele origin: germline.
Comment: In summary, the available evidence is currently insufficient to determine the role of this variant in disease. Therefore, it has been classified as a Variant of Uncertain Significance. Algorithms developed to predict the effect of missense changes on protein structure and function are either unavailable or do not agree on the potential impact of this missense change (SIFT: "Deleterious"; PolyPhen-2: "Probably Damaging"; Align-GVGD: "Class C0"). This variant has not been reported in the literature in individuals with NBN-related conditions. ClinVar contains an entry for this variant (Variation ID: 926026). This variant is not present in population databases (ExAC no frequency). This sequence change replaces proline with serine at codon 651 of the NBN protein (p.Pro651Ser). The proline residue is moderately conserved and there is a moderate physicochemical difference between proline and serine.

NM_002485.5(NBN):c.1951C>T (p.Pro651Ser)

Gene: NBN (nibrin; minus strand). Cytogenetic location: 8q21.3.
Variant type: single nucleotide variant.
Coding change: c.1951C>T on transcript NM_002485.5 (MANE Select); coding-DNA position 1951, C replaced by T.
Protein change: p.Pro651Ser; replaces proline 651 with serine.
Molecular consequence: missense variant.
Genome position (GRCh38, 1-based): chr8:89,946,259, G>A on the plus strand (C>T on the coding strand, the complement: NBN is on the minus strand). VCF-style: chr8-89946259-G-A. GRCh37 (hg19) VCF-style: chr8-90958487-G-A.
Other names: c.1705C>T, p.Pro569Ser (NM_001024688.3); short protein forms P651S, P569S.
Identifiers: ClinVar variation 926026 (VCV000926026.10), dbSNP rs1810185871, ClinGen allele CA371676665.